The following is an entry in ClinVar:

NM_000369.5(TSHR):c.318-2A>G

Genes: TSHR (thyroid stimulating hormone receptor; plus strand), TSHR-AS1 (TSHR antisense RNA 1; minus strand). Cytogenetic location: 14q31.1.
Variant type: single nucleotide variant.
Coding change: c.318-2A>G on transcript NM_000369.5 (MANE Select); the canonical splice acceptor site of the intron before coding-DNA position 318, A replaced by G.
Molecular consequence: splice acceptor variant.
Genome position (GRCh38, 1-based): chr14:81,087,952, A>G. VCF-style: chr14-81087952-A-G. GRCh37 (hg19) VCF-style: chr14-81554296-A-G.
Other names: c.318-2A>G (NM_001142626.3, NM_001018036.3).
Identifiers: ClinVar variation 5000548 (VCV005000548.1).

ClinVar aggregate classification (germline): Likely pathogenic (1 of 4 stars; one submission).

Conditions:
TSHR-related disorder. Also called: TSHR-related disorders; TSHR-related condition.

Submission:

PreventionGenetics, part of Exact Sciences
Classification: Likely pathogenic for TSHR-related condition. Last evaluated: 2025-05-30. Review status: criteria provided, single submitter. Criteria: ACMG Guidelines, 2015. Collection method: clinical testing. Allele origin: germline.
Comment: The TSHR c.318-2A>G variant is predicted to disrupt the AG splice acceptor site and interfere with normal splicing. To our knowledge, this variant has not been reported in the literature or in a large population database (gnomAD), indicating this variant is rare. Variants that disrupt the consensus splice acceptor site in TSHR are expected to be pathogenic. This variant is interpreted as likely pathogenic.